The following is an entry in ClinVar:

ClinVar aggregate classification (germline): Benign. Review status: criteria provided, multiple submitters, no conflicts (2 of 4 stars). 6 submissions from 6 submitters: Benign (5). 1 of the submissions does not count toward it. Last evaluated 2026-02-02.

Conditions:
Lissencephaly 9 with complex brainstem malformation. Identifiers: Orphanet 572013, MedGen C5193029, MONDO:0032677, OMIM 618325.
MACF1-related disorder. Also called: MACF1-related condition.

Allele frequency attached by ClinVar (database versions not stated): 1000 Genomes Project 30x 0.12117; 1000 Genomes Project 0.12161; TOPMed 0.15741; gnomAD 0.15998 and 0.16077; ESP Exome Variant Server 0.16093; ExAC 0.18690; gnomAD exomes 0.19016 and 0.20154.
gnomAD v4.1: 317,755 of 1,612,496 alleles (20%); highest among the groups gnomAD compares: Non-Finnish European, 21%; 33,175 homozygotes.

Submissions (6):

Labcorp Genetics (formerly Invitae), Labcorp
Classification: Benign. Last evaluated: 2026-02-02. Review status: criteria provided, single submitter. Criteria: Invitae Variant Classification Sherloc (09022015). Collection method: clinical testing. Allele origin: germline.

Blueprint Genetics
Classification: Benign. Last evaluated: 2024-11-26. Review status: criteria provided, single submitter. Criteria: ACMG Guidelines, 2015. Collection method: clinical testing. Allele origin: germline.

Genome-Nilou Lab
Classification: Benign for Lissencephaly 9 with complex brainstem malformation. Last evaluated: 2023-04-11. Review status: criteria provided, single submitter. Criteria: ACMG Guidelines, 2015. Collection method: clinical testing. Allele origin: germline. Affected: no.

GeneDx
Classification: Benign. Last evaluated: 2021-05-13. Review status: criteria provided, single submitter. Criteria: GeneDx Variant Classification Process June 2021. Collection method: clinical testing. Allele origin: germline. Affected: yes.

Breakthrough Genomics
Classification: Benign. Review status: criteria provided, single submitter. Criteria: ACMG Guidelines, 2015. Collection method: not provided. Allele origin: germline. Inheritance: Autosomal dominant inheritance. Affected: yes.

PreventionGenetics, part of Exact Sciences
Classification: Benign for MACF1-related condition. Last evaluated: 2019-06-28. Review status: no assertion criteria provided. Collection method: clinical testing. Allele origin: germline. Not counted in ClinVar's aggregate classification.
Comment: This variant is classified as benign based on ACMG/AMP sequence variant interpretation guidelines (Richards et al. 2015 PMID: 25741868, with internal and published modifications).

NM_001394062.1(MACF1):c.2634+7A>G

Gene: MACF1 (microtubule actin crosslinking factor 1; plus strand). Cytogenetic location: 1p34.3.
Variant type: single nucleotide variant.
Coding change: c.2634+7A>G on transcript NM_001394062.1 (MANE Select); 7 bases into the intron after coding-DNA position 2634, A replaced by G.
Molecular consequence: intron variant.
Genome position (GRCh38, 1-based): chr1:39,300,369, A>G. VCF-style: chr1-39300369-A-G. GRCh37 (hg19) VCF-style: chr1-39766041-A-G.
Other names: c.2649+7A>G (NM_012090.5).
Identifiers: ClinVar variation 1260143 (VCV001260143.14), dbSNP rs41270803, ClinGen allele CA779763.